The following is an entry in ClinVar:

NM_199420.4(POLQ):c.3261G>T (p.Lys1087Asn)

Gene: POLQ (DNA polymerase theta; minus strand). Cytogenetic location: 3q13.33.
Variant type: single nucleotide variant.
Coding change: c.3261G>T on transcript NM_199420.4 (MANE Select); coding-DNA position 3261, G replaced by T.
Protein change: p.Lys1087Asn; replaces lysine 1087 with asparagine.
Molecular consequence: missense variant.
Genome position (GRCh38, 1-based): chr3:121,489,670, C>A on the plus strand (G>T on the coding strand, the complement: POLQ is on the minus strand). VCF-style: chr3-121489670-C-A. GRCh37 (hg19) VCF-style: chr3-121208517-C-A.
Other names: short protein forms K1087N.
Identifiers: ClinVar variation 3308520 (VCV003308520.1).

ClinVar aggregate classification (germline): Uncertain significance (1 of 4 stars; one submission).

gnomAD v4.1: 2 of 1,614,006 alleles (0.00012%); highest among the groups gnomAD compares: African/African-American, 0.0027%; no homozygotes.

Submission:

Ambry Genetics
Classification: Uncertain significance. Last evaluated: 2024-04-27. Review status: criteria provided, single submitter. Criteria: Ambry Variant Classification Scheme 2023. Collection method: clinical testing. Allele origin: germline.
Comment: The p.K1087N variant (also known as c.3261G>T), located in coding exon 16 of the POLQ gene, results from a G to T substitution at nucleotide position 3261. The lysine at codon 1087 is replaced by asparagine, an amino acid with similar properties. This amino acid position is conserved. In addition, this alteration is predicted to be tolerated by in silico analysis. Based on the available evidence, the clinical significance of this variant remains unclear.